The following is an entry in ClinVar:

NM_006828.4(ASCC3):c.1402C>T (p.Gln468Ter)

Gene: ASCC3 (activating signal cointegrator 1 complex subunit 3; minus strand). Cytogenetic location: 6q16.3.
Variant type: single nucleotide variant.
Coding change: c.1402C>T on transcript NM_006828.4 (MANE Select); coding-DNA position 1402, C replaced by T.
Protein change: p.Gln468Ter; replaces glutamine 468 with a stop codon.
Molecular consequence: nonsense.
Genome position (GRCh38, 1-based): chr6:100,767,339, G>A on the plus strand (C>T on the coding strand, the complement: ASCC3 is on the minus strand). VCF-style: chr6-100767339-G-A. GRCh37 (hg19) VCF-style: chr6-101215215-G-A.
Other names: c.1402C>T (NM_006828.3); c.1402C>T, p.Gln468Ter (NM_001284271.2); short protein forms Q468*.
Identifiers: ClinVar variation 3369778 (VCV003369778.2).

ClinVar aggregate classification (germline): Uncertain significance. Review status: criteria provided, multiple submitters, no conflicts (2 of 4 stars). 2 submissions from 2 submitters: Uncertain significance (2). Last evaluated 2025-03-05.

Conditions:
ASCC3-related condition.

gnomAD v4.1: 2 of 1,488,910 alleles (0.00013%); highest among the groups gnomAD compares: Non-Finnish European, 0.00018%; no homozygotes.

Submissions (2):

PreventionGenetics, part of Exact Sciences
Classification: Uncertain significance for ASCC3-related condition. Last evaluated: 2025-03-05. Review status: criteria provided, single submitter. Criteria: ACMG Guidelines, 2015. Collection method: clinical testing. Allele origin: germline.
Comment: The ASCC3 c.1402C>T variant is predicted to result in premature protein termination (p.Gln468*). To our knowledge, this variant has not been reported in the literature. This variant is reported in 0.00091% of alleles in individuals of European (Non-Finnish) descent in gnomAD. At this time, the clinical significance of this variant is uncertain due to the absence of conclusive functional and genetic evidence.

GeneDx
Classification: Uncertain significance. Last evaluated: 2024-02-26. Review status: criteria provided, single submitter. Criteria: GeneDx Variant Classification Process June 2021. Collection method: clinical testing. Allele origin: germline. Affected: yes.
Comment: Nonsense variant predicted to result in protein truncation or nonsense mediated decay in a gene or region of a gene for which loss of function is not a well-established mechanism of disease; Not observed at significant frequency in large population cohorts (gnomAD); Has not been previously published as pathogenic or benign to our knowledge